The following is an entry in ClinVar:

ClinVar aggregate classification (germline): Benign. Review status: criteria provided, single submitter (1 of 4 stars). 2 submissions from 2 submitters: Benign (1). 1 of the submissions does not count toward it. Last evaluated 2018-06-14.

Conditions:
CLPTM1-related disorder. Also called: CLPTM1-related condition.

Allele frequency attached by ClinVar (database versions not stated): ESP Exome Variant Server 0.00154; ExAC 0.00162; gnomAD exomes 0.00163 and 0.00206; TOPMed 0.00170; gnomAD 0.00188 and 0.00192; 1000 Genomes Project 0.00220; 1000 Genomes Project 30x 0.00219.
gnomAD v4.1: 3,286 of 1,614,082 alleles (0.2%); highest among the groups gnomAD compares: Admixed American, 0.3%; 8 homozygotes.

Submissions (2):

Labcorp Genetics (formerly Invitae), Labcorp
Classification: Benign. Last evaluated: 2018-06-14. Review status: criteria provided, single submitter. Criteria: Invitae Variant Classification Sherloc (09022015). Collection method: clinical testing. Allele origin: germline.

PreventionGenetics, part of Exact Sciences
Classification: Likely benign for CLPTM1-related condition. Last evaluated: 2019-09-30. Review status: no assertion criteria provided. Collection method: clinical testing. Allele origin: germline. Not counted in ClinVar's aggregate classification.
Comment: This variant is classified as likely benign based on ACMG/AMP sequence variant interpretation guidelines (Richards et al. 2015 PMID: 25741868, with internal and published modifications).

NM_001294.4(CLPTM1):c.1458C>T (p.Leu486=)

Gene: CLPTM1 (CLPTM1 regulator of GABA type A receptor forward trafficking; plus strand). Cytogenetic location: 19q13.32.
Variant type: single nucleotide variant.
Coding change: c.1458C>T on transcript NM_001294.4 (MANE Select); coding-DNA position 1458, C replaced by T.
Protein change: p.Leu486=; no amino-acid change (leucine 486 retained).
Molecular consequence: synonymous variant.
Genome position (GRCh38, 1-based): chr19:44,991,276, C>T. VCF-style: chr19-44991276-C-T. GRCh37 (hg19) VCF-style: chr19-45494534-C-T.
Other names: c.1416C>T, p.Leu472= (NM_001282175.2); c.1152C>T, p.Leu384= (NM_001282176.2).
Identifiers: ClinVar variation 717488 (VCV000717488.5), dbSNP rs150481529, ClinGen allele CA9507197.